The following is an entry in ClinVar:

ClinVar aggregate classification (germline): Likely pathogenic (1 of 4 stars; one submission).

Conditions:
Autosomal recessive Alport syndrome (ATS2). Also called: Alport syndrome type 2; COL4A4 Alport Syndrome and Thin Basement Membrane Nephropathy; ALPORT SYNDROME 2, AUTOSOMAL RECESSIVE; COL4A3-Related Nephropathy. Identifiers: Orphanet 63, Orphanet 88919, MedGen C4746745, MONDO:0008762, OMIM 203780.

Submission:

Myriad Genetics, Inc.
Classification: Likely pathogenic for Autosomal recessive Alport syndrome. Last evaluated: 2022-02-25. Review status: criteria provided, single submitter. Criteria: Myriad Women's Health Autosomal Recessive and X-Linked Classification Criteria (2021). Collection method: clinical testing. Allele origin: unknown.
Comment: NM_000092.4(COL4A4):c.3281delG(G1094Dfs*47) is expected to be pathogenic in the context of COL4A4-related Alport syndrome. This variant is predicted to lead to an abnormal or absent protein product due to the creation of a premature termination codon in COL4A4, a gene where loss-of-function variants are known to be pathogenic. Please note: this variant was assessed in the context of healthy population screening.

NM_000092.5(COL4A4):c.3281del (p.Gly1094fs)

Gene: COL4A4 (collagen type IV alpha 4 chain; minus strand). Cytogenetic location: 2q36.3.
Variant type: Deletion.
Coding change: c.3281del on transcript NM_000092.5 (MANE Select); coding-DNA position 3281, one base deleted (G; older notation c.3281delG).
Protein change: p.Gly1094fs; shifts the reading frame from glycine 1094.
Molecular consequence: frameshift variant.
Genome position (GRCh38, 1-based): chr2:227,047,483, C deleted on the plus strand (G on the coding strand, the reverse complement: COL4A4 is on the minus strand); the first of 2 consecutive C bases (chr2:227,047,483-227,047,484); deleting either gives the same sequence. VCF-style (leftmost placement, unchanged base first): chr2-227047482-TC-T. GRCh37 (hg19) VCF-style: chr2-227912198-TC-T.
Other names: short protein forms G1094fs.
Identifiers: ClinVar variation 1726805 (VCV001726805.2), dbSNP rs2473863644, ClinGen allele CA2580065817.